The following is an entry in ClinVar:

NM_144687.4(NLRP12):c.2459C>T (p.Ala820Val)

Gene: NLRP12 (NLR family pyrin domain containing 12; minus strand). Cytogenetic location: 19q13.42.
Variant type: single nucleotide variant.
Coding change: c.2459C>T on transcript NM_144687.4 (MANE Select); coding-DNA position 2459, C replaced by T.
Protein change: p.Ala820Val; replaces alanine 820 with valine.
Molecular consequence: missense variant.
Genome position (GRCh38, 1-based): chr19:53,804,078, G>A on the plus strand (C>T on the coding strand, the complement: NLRP12 is on the minus strand). VCF-style: chr19-53804078-G-A. GRCh37 (hg19) VCF-style: chr19-54307332-G-A.
Other names: c.2462C>T, p.Ala821Val (NM_001277126.2); c.2459C>T, p.Ala820Val (NM_001277129.1); short protein forms A821V, A820V.
Identifiers: ClinVar variation 570637 (VCV000570637.8), dbSNP rs762058684, ClinGen allele CA310064854.

ClinVar aggregate classification (germline): Uncertain significance (1 of 4 stars; one submission).

Conditions:
Familial cold autoinflammatory syndrome 2 (FCAS2). Identifiers: Orphanet 247868, MedGen C2673198, MONDO:0012724, OMIM 611762.

Allele frequency attached by ClinVar (database versions not stated): gnomAD below 0.00001 and 0.00001; gnomAD exomes 0.00001; TOPMed 0.00001.
gnomAD v4.1: 10 of 1,613,928 alleles (0.00062%); highest among the groups gnomAD compares: South Asian, 0.0088%; no homozygotes.

Submission:

Labcorp Genetics (formerly Invitae), Labcorp
Classification: Uncertain significance for Familial cold autoinflammatory syndrome 2. Last evaluated: 2026-01-03. Review status: criteria provided, single submitter. Criteria: Invitae Variant Classification Sherloc (09022015). Collection method: clinical testing. Allele origin: germline.
Comment: This sequence change replaces alanine, which is neutral and non-polar, with valine, which is neutral and non-polar, at codon 820 of the NLRP12 protein (p.Ala820Val). This variant is present in population databases (rs762058684, gnomAD 0.006%). This variant has not been reported in the literature in individuals affected with NLRP12-related conditions. ClinVar contains an entry for this variant (Variation ID: 570637). Invitae Evidence Modeling of protein sequence and biophysical properties (such as structural, functional, and spatial information, amino acid conservation, physicochemical variation, residue mobility, and thermodynamic stability) indicates that this missense variant is not expected to disrupt NLRP12 protein function with a negative predictive value of 80%. In summary, the available evidence is currently insufficient to determine the role of this variant in disease. Therefore, it has been classified as a Variant of Uncertain Significance.